The following is an entry in ClinVar:

ClinVar aggregate classification (germline): Conflicting classifications of pathogenicity. Review status: criteria provided, conflicting classifications (1 of 4 stars). 9 submissions from 9 submitters: Pathogenic (1); Likely pathogenic (6); Uncertain significance (1). 1 of the submissions does not count toward it. Last evaluated 2026-01-20.

Conditions:
Wilson disease (WND). Also called: Wilson's disease. Identifiers: Orphanet 905, MedGen C0019202, MONDO:0010200, OMIM 277900. Disease mechanism: loss of function.

Allele frequency attached by ClinVar (database versions not stated): TOPMed below 0.00001; gnomAD 0.00001; gnomAD exomes 0.00001.
gnomAD v4.1: 12 of 1,614,002 alleles (0.00074%); highest among the groups gnomAD compares: Non-Finnish European, 0.001%; no homozygotes.

Submissions (9):

Natera, Inc.
Classification: Likely pathogenic for Wilson disease. Last evaluated: 2026-01-20. Review status: criteria provided, single submitter. Criteria: Natera Variant Classification Schema (03/2026). Collection method: clinical testing. Allele origin: germline.
Comment: The c.3128T>C variant in ATP7B is a missense variant predicted to cause substitution of leucine to proline at amino acid 1043. This variant is rare in the general population with a frequency below the threshold expected for the associated phenotype(s). This variant has been observed in one or more individuals affected with the associated recessive disease, as either homozygous or compound heterozygous with a second variant (PMID: 36096368, 30230192, 25982861, 10502777). Computational prediction algorithms indicate this variant is likely to affect gene or protein function. Given the available evidence, this variant is classified as Likely Pathogenic.

Labcorp Genetics (formerly Invitae), Labcorp
Classification: Pathogenic for Wilson disease. Last evaluated: 2025-10-18. Review status: criteria provided, single submitter. Criteria: Invitae Variant Classification Sherloc (09022015). Collection method: clinical testing. Allele origin: germline.
Comment: This sequence change replaces leucine, which is neutral and non-polar, with proline, which is neutral and non-polar, at codon 1043 of the ATP7B protein (p.Leu1043Pro). This variant is not present in population databases (gnomAD no frequency). This missense change has been observed in individual(s) with clinical features of Wilson disease (PMID: 8931691, 23486543, 23518715, 24798599, 25982861, 36096368; internal data). In at least one individual the data is consistent with being in trans (on the opposite chromosome) from a pathogenic variant. This variant is also known as Leu1044Pro. ClinVar contains an entry for this variant (Variation ID: 550536). Invitae Evidence Modeling of protein sequence and biophysical properties (such as structural, functional, and spatial information, amino acid conservation, physicochemical variation, residue mobility, and thermodynamic stability) indicates that this missense variant is not expected to disrupt ATP7B protein function with a negative predictive value of 80%. Experimental studies have shown that this missense change affects ATP7B function (PMID: 20333758). For these reasons, this variant has been classified as Pathogenic.

Color Diagnostics, LLC DBA Color Health
Classification: Likely pathogenic for Wilson disease. Last evaluated: 2025-06-09. Review status: criteria provided, single submitter. Criteria: ACMG Guidelines, 2015. Collection method: clinical testing. Allele origin: germline.
Comment: This missense variant replaces leucine with proline at codon 1043 in the N domain of the ATP7B protein (a.a. 1032 - 1196), a highly conserved region that is considered to be important for ATP7B protein function (PMID: 35245129ClinVar). Computational prediction suggests that this variant may have deleterious impact on protein structure and function. This variant disrupted function in a yeast complementation assay (PMID: 20333758). This variant has been reported in individuals affected with Wilson disease (PMID: 8931691, 18371106, 23486543, 23518715, 25982861), including two individuals who carried this variant in the homozygous state (PMID: 10502777, 23518715). This variant has not been identified in the general population by the Genome Aggregation Database (gnomAD). The available evidence is insufficient to determine the role of this variant in disease conclusively. Therefore, this variant is classified as Likely Pathogenic.

GeneDx
Classification: Likely pathogenic. Last evaluated: 2024-04-16. Review status: criteria provided, single submitter. Criteria: GeneDx Variant Classification Process June 2021. Collection method: clinical testing. Allele origin: germline. Affected: yes.
Comment: Published functional studies found this variant is associated with reduced ATP7B protein expression and is unable to rescue growth of a yeast strain deficient for ccc2 (the ATP7B otholog in yeast) (PMID: 20333758); Not observed at significant frequency in large population cohorts (gnomAD); In silico analysis supports that this missense variant has a deleterious effect on protein structure/function; This variant is associated with the following publications: (PMID: 22692182, 18371106, 8931691, 25982861, 36096368, 23486543, 23518715, 10502777, 30230192, 18728530, 20333758)

Baylor Genetics
Classification: Likely pathogenic for Wilson disease. Last evaluated: 2024-03-15. Review status: criteria provided, single submitter. Criteria: ACMG Guidelines, 2015. Collection method: clinical testing. Allele origin: unknown.

ARUP Laboratories, Molecular Genetics and Genomics, ARUP Laboratories
Classification: Likely pathogenic for Wilson disease. Last evaluated: 2022-12-30. Review status: criteria provided, single submitter. Criteria: ARUP Molecular Germline Variant Investigation Process 2024. Collection method: clinical testing. Allele origin: germline.
Comment: The ATP7B c.3128T>C; p.Leu1043Pro variant (rs1412025509) is reported in the literature in multiple individuals affected with Wilson disease, including several individuals that were homozygous or carried a second disease-causing variant (Curtis 1999, Guggilla 2015, Loudianos 1999, Nayagam 2022). The p.Leu1043Pro variant is absent from general population databases (Exome Variant Server, Genome Aggregation Database), indicating it is not a common polymorphism. The leucine at codon 1043 is moderately conserved, and computational analyses predict that this variant is deleterious (REVEL: 0.821). Consistent with these predictions, functional assays suggest the variant protein has reduced function, as it failed to complement growth on iron-limited media similar to wildtype ATP7B in a heterologous yeast assay (Luoma 2010). Based on available information, this variant is considered to be likely pathogenic. References: Curtis D et al. A study of Wilson disease mutations in Britain. Hum Mutat. 1999;14(4):304-11. PMID: 10502777. Guggilla SR et al. Spectrum of mutations in the ATP binding domain of ATP7B gene of Wilson Disease in a regional Indian cohort. Gene. 2015 Sep 10;569(1):83-7. PMID: 25982861. Loudianos G et al. Molecular characterization of wilson disease in the Sardinian population--evidence of a founder effect. Hum Mutat. 1999;14(4):294-303. PMID: 10502776. Luoma LM et al. Functional analysis of mutations in the ATP loop of the Wilson disease copper transporter, ATP7B. Hum Mutat. 2010 May;31(5):569-77. PMID: 20333758. Nayagam JS et al. ATP7B Genotype and Chronic Liver Disease Treatment Outcomes in Wilson Disease: Worse Survival With Loss-of-Function Variants. Clin Gastroenterol Hepatol. 2022 Sep 9:S1542-3565(22)00837-0. PMID: 36096368.

Mayo Clinic Laboratories, Mayo Clinic
Classification: Likely pathogenic. Last evaluated: 2022-09-13. Review status: criteria provided, single submitter. Criteria: ACMG Guidelines, 2015. Collection method: clinical testing. Allele origin: germline. Observed: 1 variant allele.
Comment: PP3, PP4, PM2, PM3, PS3_moderate, PS4_moderate

Blueprint Genetics
Classification: Uncertain significance. Last evaluated: 2022-07-06. Review status: criteria provided, single submitter. Criteria: ACMG Guidelines, 2015. Collection method: clinical testing. Allele origin: germline.

Counsyl
Classification: Likely pathogenic for Wilson disease. Last evaluated: 2017-02-01. Review status: no assertion criteria provided. Collection method: clinical testing. Allele origin: unknown. Not counted in ClinVar's aggregate classification.

Literature cited by the submitters: PubMed 36096368 (cited by Natera, Inc. and Labcorp Genetics (formerly Invitae), Labcorp); PubMed 30230192 (cited by Natera, Inc.); PubMed 25982861 (cited by 5 submitters); PubMed 10502777 (cited by 3 submitters); PubMed 8931691 (cited by 3 submitters); PubMed 23486543 (cited by 4 submitters); PubMed 23518715 (cited by 4 submitters); PubMed 24798599 (cited by Labcorp Genetics (formerly Invitae), Labcorp and Mayo Clinic Laboratories, Mayo Clinic); PubMed 20333758 (cited by 4 submitters); PubMed 18371106 (cited by 3 submitters); PubMed 35245129 (cited by Color Diagnostics, LLC DBA Color Health); PubMed 21901653 (cited by Mayo Clinic Laboratories, Mayo Clinic); PubMed 9311736 (cited by Mayo Clinic Laboratories, Mayo Clinic).

NM_000053.4(ATP7B):c.3128T>C (p.Leu1043Pro)

Gene: ATP7B (ATPase copper transporting beta; minus strand). Cytogenetic location: 13q14.3.
Variant type: single nucleotide variant.
Coding change: c.3128T>C on transcript NM_000053.4 (MANE Select); coding-DNA position 3128, T replaced by C.
Protein change: p.Leu1043Pro; replaces leucine 1043 with proline.
Molecular consequence: missense variant.
Genome position (GRCh38, 1-based): chr13:51,944,224, A>G on the plus strand (T>C on the coding strand, the complement: ATP7B is on the minus strand). VCF-style: chr13-51944224-A-G. GRCh37 (hg19) VCF-style: chr13-52518360-A-G.
Other names: p.Leu1043Pro; c.2507T>C, p.Leu836Pro (NM_001005918.3); c.2795T>C, p.Leu932Pro (NM_001243182.2); c.2894T>C, p.Leu965Pro (NM_001330578.2); c.2876T>C, p.Leu959Pro (NM_001330579.2); short protein forms L1043P, L836P, L932P, L959P, L965P.
Identifiers: ClinVar variation 550536 (VCV000550536.15), dbSNP rs1412025509, ClinGen allele CA388030271.
Genomic context (GRCh38, chr13:51,944,224, plus strand): 5'-GCAGTCCCCACCACAGCCAGAACCTTCCTGAGGGGCAGTGTGGCCACATCCCCCAGCAGG[A>G]GCACCCGCATGACCCTGGGGACGCCATGGGTAATGGTGCCAGTCTTGTCAAACATCACAG-3'
Protein context (NP_000044.2, residues 1033-1053): THGVPRVMRV[Leu1043Pro]LLGDVATLPL